The following is an entry in ClinVar:

ClinVar aggregate classification (germline): Uncertain significance (1 of 4 stars; one submission).

Conditions:
SRRM2-related disorder. Also called: SRRM2-related condition.

Submission:

PreventionGenetics, part of Exact Sciences
Classification: Uncertain significance for SRRM2-related condition. Last evaluated: 2026-06-30. Review status: criteria provided, single submitter. Criteria: ACMG Guidelines, 2015. Collection method: clinical testing. Allele origin: germline.
Comment: The SRRM2 c.5550G>T variant is predicted to result in the amino acid substitution p.Lys1850Asn. To our knowledge, this variant has not been reported in the literature or in a large population database (gnomAD), indicating this variant is rare. At this time, the clinical significance of this variant is uncertain due to the absence of conclusive functional and genetic evidence.

NM_016333.4(SRRM2):c.5550G>T (p.Lys1850Asn)

Gene: SRRM2 (serine/arginine repetitive matrix 2; plus strand). Cytogenetic location: 16p13.3.
Variant type: single nucleotide variant.
Coding change: c.5550G>T on transcript NM_016333.4 (MANE Select); coding-DNA position 5550, G replaced by T.
Protein change: p.Lys1850Asn; replaces lysine 1850 with asparagine.
Molecular consequence: missense variant.
Genome position (GRCh38, 1-based): chr16:2,766,078, G>T. VCF-style: chr16-2766078-G-T. GRCh37 (hg19) VCF-style: chr16-2816079-G-T.
Other names: short protein forms K1850N.
Identifiers: ClinVar variation 4994363 (VCV004994363.1).